The following is an entry in ClinVar:

ClinVar aggregate classification (germline): Uncertain significance (1 of 4 stars; one submission).

Conditions:
Inborn genetic diseases. Identifiers: MedGen C0950123, MeSH D030342.

Submission:

Ambry Genetics
Classification: Uncertain significance for Inborn genetic diseases. Last evaluated: 2023-09-23. Review status: criteria provided, single submitter. Criteria: Ambry Variant Classification Scheme 2023. Collection method: clinical testing. Allele origin: germline.
Comment: The p.N281I variant (also known as c.842A>T), located in coding exon 8 of the LRRK2 gene, results from an A to T substitution at nucleotide position 842. The asparagine at codon 281 is replaced by isoleucine, an amino acid with dissimilar properties. This amino acid position is conserved. In addition, the in silico prediction for this alteration is inconclusive. Since supporting evidence is limited at this time, the clinical significance of this alteration remains unclear.

NM_198578.4(LRRK2):c.842A>T (p.Asn281Ile)

Gene: LRRK2 (leucine rich repeat kinase 2; plus strand). Cytogenetic location: 12q12.
Variant type: single nucleotide variant.
Coding change: c.842A>T on transcript NM_198578.4 (MANE Select); coding-DNA position 842, A replaced by T.
Protein change: p.Asn281Ile; replaces asparagine 281 with isoleucine.
Molecular consequence: missense variant.
Genome position (GRCh38, 1-based): chr12:40,249,829, A>T. VCF-style: chr12-40249829-A-T. GRCh37 (hg19) VCF-style: chr12-40643631-A-T.
Other names: short protein forms N281I.
Identifiers: ClinVar variation 3229804 (VCV003229804.1), dbSNP rs770875653, ClinGen allele CA384406758.